The following is an entry in ClinVar:

NC_000001.10:g.(?_215967783)_(215972487_?)del

Gene: USH2A (usherin; minus strand). Cytogenetic location: 1q41.
Variant type: Deletion.
Identifiers: ClinVar variation 3248045 (VCV003248045.1).

ClinVar aggregate classification (germline): Likely pathogenic (1 of 4 stars; one submission).

Submission:

Labcorp Genetics (formerly Invitae), Labcorp
Classification: Likely pathogenic. Last evaluated: 2022-09-24. Review status: criteria provided, single submitter. Criteria: Invitae Variant Classification Sherloc (09022015). Collection method: clinical testing. Allele origin: unknown.
Comment: In summary, the currently available evidence indicates that the variant is pathogenic, but additional data are needed to prove that conclusively. Therefore, this variant has been classified as Likely Pathogenic. This variant disrupts the p.Cys3267 amino acid residue in USH2A. Other variant(s) that disrupt this residue have been determined to be pathogenic (PMID: 17085681, 25404053, 27596865, 30190494). This suggests that this residue is clinically significant, and that variants that disrupt this residue are likely to be disease-causing. This variant has not been reported in the literature in individuals affected with USH2A-related conditions. This variant is a gross deletion of the genomic region encompassing exon(s) 50 of the USH2A gene. This variant would be expected to be in-frame, preserving the integrity of the reading frame.

Literature cited by the submitters: PubMed 17085681; PubMed 25404053; PubMed 27596865; PubMed 30190494.